The following is an entry in ClinVar:

NM_177972.3(TUB):c.91-9C>A

Gene: TUB (TUB bipartite transcription factor; plus strand). Cytogenetic location: 11p15.4.
Variant type: single nucleotide variant.
Coding change: c.91-9C>A on transcript NM_177972.3 (MANE Select); 9 bases into the intron before coding-DNA position 91, C replaced by A.
Molecular consequence: intron variant.
Genome position (GRCh38, 1-based): chr11:8,090,060, C>A. VCF-style: chr11-8090060-C-A. GRCh37 (hg19) VCF-style: chr11-8111607-C-A.
Other names: c.109-9C>A (NM_001440538.1, NM_001440539.1, NM_001440540.1 and 1 more transcripts); c.256-9C>A (NM_003320.5); c.91-9C>A (NM_001440541.1).
Identifiers: ClinVar variation 4998717 (VCV004998717.1).
Genomic context (GRCh38, chr11:8,090,060, plus strand): 5'-CCCCCGATAACTGGGAGCCCGCCCTTCCTGGTGGAGGCAGTGGGTCAGCCAACCTCTGTG[C>A]CTCCATAGCGGGCCCTGCTGGAGCAGAAGCAGAAGAAGAAGCGCCAGGAGCCCCTGATGG-3'

ClinVar aggregate classification (germline): Uncertain significance (1 of 4 stars; one submission).

Conditions:
TUB-related disorder. Also called: TUB-related condition.

Submission:

PreventionGenetics, part of Exact Sciences
Classification: Uncertain significance for TUB-related condition. Last evaluated: 2025-07-26. Review status: criteria provided, single submitter. Criteria: ACMG Guidelines, 2015. Collection method: clinical testing. Allele origin: germline.
Comment: The TUB c.256-9C>A variant is predicted to interfere with splicing. This variant is predicted to alter splicing based on available splicing prediction software (SpliceAI, Jaganathan et al. 2019. PubMed ID: 30661751). However, the use of computer prediction softwares is not equivalent to functional evidence. To our knowledge, this variant has not been reported in the literature or in a large population database (gnomAD), indicating this variant is rare. At this time, the clinical significance of this variant is uncertain due to the absence of conclusive functional and genetic evidence.